The following is an entry in ClinVar:

ClinVar aggregate classification (germline): Likely benign (1 of 4 stars; one submission).

Allele frequency attached by ClinVar (database versions not stated): gnomAD 0.00002; TOPMed 0.00005; gnomAD exomes 0.00006; ESP Exome Variant Server 0.00008; ExAC 0.00010.

Submission:

CeGaT Center for Human Genetics Tuebingen
Classification: Likely benign. Last evaluated: 2026-07-01. Review status: criteria provided, single submitter. Criteria: CeGaT Center For Human Genetics Tuebingen Variant Classification Criteria Version 2. Collection method: clinical testing. Allele origin: germline. Affected: yes. Observed: 2 variant alleles.
Comment: CACNA1G: BP4, BP7

NM_018896.5(CACNA1G):c.3891C>A (p.Arg1297=)

Gene: CACNA1G (calcium voltage-gated channel subunit alpha1 G; plus strand). Cytogenetic location: 17q21.33.
Variant type: single nucleotide variant.
Coding change: c.3891C>A on transcript NM_018896.5 (MANE Select); coding-DNA position 3891, C replaced by A.
Protein change: p.Arg1297=; no amino-acid change (arginine 1297 retained).
Molecular consequence: synonymous variant. On other transcripts: non-coding transcript variant (5).
Genome position (GRCh38, 1-based): chr17:50,601,150, C>A. VCF-style: chr17-50601150-C-A. GRCh37 (hg19) VCF-style: chr17-48678511-C-A.
Other names: c.3891C>A, p.Arg1297= (NM_001256324.2, NM_001256325.2, NM_001256326.2 and 16 more transcripts); c.3822C>A, p.Arg1274= (NM_001256332.2, NM_198376.3, NM_198379.3 and 5 more transcripts).
Identifiers: ClinVar variation 2647920 (VCV002647920.24), dbSNP rs370552488, ClinGen allele CA8652870.